The following is an entry in ClinVar:

ClinVar aggregate classification (germline): Uncertain significance (1 of 4 stars; one submission).

Conditions:
Andersen Tawil syndrome (LQT7). Also called: LONG QT SYNDROME 7; PERIODIC PARALYSIS, POTASSIUM-SENSITIVE CARDIODYSRHYTHMIC TYPE; ANDERSEN CARDIODYSRHYTHMIC PERIODIC PARALYSIS; Potassium-sensitive periodic paralysis, ventricular ectopy, and dysmorphic features; Andersen Syndrome. Identifiers: Orphanet 37553, MedGen C1563715, MONDO:0008222, OMIM 170390.

Submission:

Neuberg Centre For Genomic Medicine, NCGM
Classification: Uncertain significance for Andersen Tawil syndrome. Review status: criteria provided, single submitter. Criteria: ACMG Guidelines, 2015. Collection method: clinical testing. Allele origin: germline. Inheritance: Autosomal dominant inheritance. Affected: yes.
Comment: The observed missense c.299G>A (p.Gly100Asp) variant in KCNJ2 gene has not been reported previously as a pathogenic variant nor as a benign variant, to our knowledge. The p.Gly100Asp variant is absent in gnomAD Exomes. This variant has not been submitted to the ClinVar database. Multiple lines of computational evidence (Polyphen - Probably Damaging, SIFT - Damaging and MutationTaster - Disease causing) predict a damaging effect on protein structure and function for this variant. The reference amino acid of p.Gly100Asp in KCNJ2 is predicted as conserved by GERP++ and PhyloP across 100 vertebrates. The amino acid Gly at position 100 is changed to a Asp changing protein sequence and it might alter its composition and physico-chemical properties. For these reasons, this variant has been classified as Variant of Uncertain Significance (VUS).

NM_000891.3(KCNJ2):c.299G>A (p.Gly100Asp)

Gene: KCNJ2 (potassium inwardly rectifying channel subfamily J member 2; plus strand). Cytogenetic location: 17q24.3.
Variant type: single nucleotide variant.
Coding change: c.299G>A on transcript NM_000891.3 (MANE Select); coding-DNA position 299, G replaced by A.
Protein change: p.Gly100Asp; replaces glycine 100 with aspartic acid.
Molecular consequence: missense variant.
Genome position (GRCh38, 1-based): chr17:70,175,338, G>A. VCF-style: chr17-70175338-G-A. GRCh37 (hg19) VCF-style: chr17-68171479-G-A.
Other names: short protein forms G100D.
Identifiers: ClinVar variation 3377611 (VCV003377611.1).